The following is an entry in ClinVar:

NM_015046.7(SETX):c.6133C>T (p.Arg2045Ter)

Gene: SETX (senataxin; minus strand). Cytogenetic location: 9q34.13.
Variant type: single nucleotide variant.
Coding change: c.6133C>T on transcript NM_015046.7 (MANE Select); coding-DNA position 6133, C replaced by T.
Protein change: p.Arg2045Ter; replaces arginine 2045 with a stop codon.
Molecular consequence: nonsense.
Genome position (GRCh38, 1-based): chr9:132,288,625, G>A on the plus strand (C>T on the coding strand, the complement: SETX is on the minus strand). VCF-style: chr9-132288625-G-A. GRCh37 (hg19) VCF-style: chr9-135164012-G-A.
Other names: c.6133C>T, p.Arg2045Ter (NM_001351527.2, NM_001351528.2); short protein forms R2045*.
Identifiers: ClinVar variation 3381365 (VCV003381365.1).
Genomic context (GRCh38, chr9:132,288,625, plus strand): 5'-CTTGGCTGTCCAAACTGAACTTTAGAACCTCACTATTAATAGACTTTTCTGGACCCAGTC[G>A]TACTAAATTTATATCTCCACAGTTTCCTGTTGATAAGAATCACAGTTAAGGACTAATAAG-3'

ClinVar aggregate classification (germline): Pathogenic (1 of 4 stars; one submission).

gnomAD v4.1: 3 of 1,613,418 alleles (0.00019%); highest among the groups gnomAD compares: Non-Finnish European, 0.00025%; no homozygotes.

Submission:

GeneDx
Classification: Pathogenic. Last evaluated: 2024-04-15. Review status: criteria provided, single submitter. Criteria: GeneDx Variant Classification Process June 2021. Collection method: clinical testing. Allele origin: germline. Affected: yes.
Comment: Nonsense variant predicted to result in protein truncation or nonsense mediated decay in a gene for which loss of function is a known mechanism of disease; Not observed at significant frequency in large population cohorts (gnomAD); This variant is associated with the following publications: (PMID: 25462094, 36530930)